The following is an entry in ClinVar:

NM_018136.5(ASPM):c.9923G>A (p.Arg3308His)

Gene: ASPM (assembly factor for spindle microtubules; minus strand). Cytogenetic location: 1q31.3.
Variant type: single nucleotide variant.
Coding change: c.9923G>A on transcript NM_018136.5 (MANE Select); coding-DNA position 9923, G replaced by A.
Protein change: p.Arg3308His; replaces arginine 3308 with histidine.
Molecular consequence: missense variant.
Genome position (GRCh38, 1-based): chr1:197,089,991, C>T on the plus strand (G>A on the coding strand, the complement: ASPM is on the minus strand). VCF-style: chr1-197089991-C-T. GRCh37 (hg19) VCF-style: chr1-197059121-C-T.
Other names: c.5168G>A, p.Arg1723His (NM_001206846.2); short protein forms R3308H, R1723H.
Identifiers: ClinVar variation 157920 (VCV000157920.11), dbSNP rs201362977, ClinGen allele CA271161.

ClinVar aggregate classification (germline): Uncertain significance. Review status: criteria provided, multiple submitters, no conflicts (2 of 4 stars). 3 submissions from 3 submitters: Uncertain significance (3). Last evaluated 2023-04-11.

Conditions:
Microcephaly 5, primary, autosomal recessive (MCPH5). Also called: ASPM Primary Microcephaly. Identifiers: Orphanet 2512, MedGen C1837501, MONDO:0012106, OMIM 608716.

Allele frequency attached by ClinVar (database versions not stated): ExAC 0.00002; gnomAD 0.00004; TOPMed below 0.00001; gnomAD exomes 0.00001; 1000 Genomes Project 0.00040; 1000 Genomes Project 30x 0.00047.
gnomAD v4.1: 11 of 1,613,092 alleles (0.00068%); highest among the groups gnomAD compares: Admixed American, 0.0067%; no homozygotes.

Submissions (3):

Genome-Nilou Lab
Classification: Uncertain significance for Microcephaly 5, primary, autosomal recessive. Last evaluated: 2023-04-11. Review status: criteria provided, single submitter. Criteria: ACMG Guidelines, 2015. Collection method: clinical testing. Allele origin: germline. Affected: no.

Labcorp Genetics (formerly Invitae), Labcorp
Classification: Uncertain significance. Last evaluated: 2022-03-19. Review status: criteria provided, single submitter. Criteria: Invitae Variant Classification Sherloc (09022015). Collection method: clinical testing. Allele origin: germline.
Comment: This sequence change replaces arginine, which is basic and polar, with histidine, which is basic and polar, at codon 3308 of the ASPM protein (p.Arg3308His). This variant is present in population databases (rs201362977, gnomAD 0.002%). This missense change has been observed in individual(s) with clinical features of primary microcephaly (PMID: 23611254). ClinVar contains an entry for this variant (Variation ID: 157920). Algorithms developed to predict the effect of missense changes on protein structure and function are either unavailable or do not agree on the potential impact of this missense change (SIFT: "Deleterious"; PolyPhen-2: "Probably Damaging"; Align-GVGD: "Class C0"). In summary, the available evidence is currently insufficient to determine the role of this variant in disease. Therefore, it has been classified as a Variant of Uncertain Significance.

Genetic Services Laboratory, University of Chicago
Classification: Uncertain significance for Microcephaly 5, primary, autosomal recessive. Last evaluated: 2013-02-08. Review status: criteria provided, single submitter. Criteria: ACMG Guidelines, 2007. Collection method: clinical testing. Allele origin: germline. Inheritance: Autosomal recessive inheritance.

Literature cited by the submitters: PubMed 23611254 (cited by Labcorp Genetics (formerly Invitae), Labcorp).